The following is an entry in ClinVar:

ClinVar aggregate classification (germline): Uncertain significance (1 of 4 stars; one submission).

Submission:

Labcorp Genetics (formerly Invitae), Labcorp
Classification: Uncertain significance. Last evaluated: 2024-12-03. Review status: criteria provided, single submitter. Criteria: Invitae Variant Classification Sherloc (09022015). Collection method: clinical testing. Allele origin: germline.
Comment: This sequence change replaces serine, which is neutral and polar, with cysteine, which is neutral and slightly polar, at codon 1710 of the KAT6A protein (p.Ser1710Cys). This variant is not present in population databases (gnomAD no frequency). This variant has not been reported in the literature in individuals affected with KAT6A-related conditions. Invitae Evidence Modeling of protein sequence and biophysical properties (such as structural, functional, and spatial information, amino acid conservation, physicochemical variation, residue mobility, and thermodynamic stability) indicates that this missense variant is not expected to disrupt KAT6A protein function with a negative predictive value of 95%. In summary, the available evidence is currently insufficient to determine the role of this variant in disease. Therefore, it has been classified as a Variant of Uncertain Significance.

NM_006766.5(KAT6A):c.5128A>T (p.Ser1710Cys)

Gene: KAT6A (lysine acetyltransferase 6A; minus strand). Cytogenetic location: 8p11.21.
Variant type: single nucleotide variant.
Coding change: c.5128A>T on transcript NM_006766.5 (MANE Select); coding-DNA position 5128, A replaced by T.
Protein change: p.Ser1710Cys; replaces serine 1710 with cysteine.
Molecular consequence: missense variant.
Genome position (GRCh38, 1-based): chr8:41,933,092, T>A on the plus strand (A>T on the coding strand, the complement: KAT6A is on the minus strand). VCF-style: chr8-41933092-T-A. GRCh37 (hg19) VCF-style: chr8-41790610-T-A.
Other names: short protein forms S1710C.
Identifiers: ClinVar variation 3720544 (VCV003720544.2).